The following is an entry in ClinVar:

ClinVar aggregate classification (germline): Likely benign. Review status: criteria provided, single submitter (1 of 4 stars). 2 submissions from 2 submitters: Likely benign (1). 1 of the submissions does not count toward it. Last evaluated 2024-11-08.

Conditions:
RPS15-related disorder. Also called: RPS15-related condition.

Allele frequency attached by ClinVar (database versions not stated): ESP Exome Variant Server 0.00015; gnomAD 0.00017; gnomAD exomes 0.00020; ExAC 0.00022; TOPMed 0.00023.

Submissions (2):

Blueprint Genetics
Classification: Likely benign. Last evaluated: 2024-11-08. Review status: criteria provided, single submitter. Criteria: ACMG Guidelines, 2015. Collection method: clinical testing. Allele origin: germline.

PreventionGenetics, part of Exact Sciences
Classification: Likely benign for RPS15-related condition. Last evaluated: 2023-09-27. Review status: no assertion criteria provided. Collection method: clinical testing. Allele origin: germline. Not counted in ClinVar's aggregate classification.
Comment: This variant is classified as likely benign based on ACMG/AMP sequence variant interpretation guidelines (Richards et al. 2015 PMID: 25741868, with internal and published modifications).

NM_001018.5(RPS15):c.243G>A (p.Arg81=)

Gene: RPS15 (ribosomal protein S15; plus strand). Cytogenetic location: 19p13.3.
Variant type: single nucleotide variant.
Coding change: c.243G>A on transcript NM_001018.5 (MANE Select); coding-DNA position 243, G replaced by A.
Protein change: p.Arg81=; no amino-acid change (arginine 81 retained).
Molecular consequence: synonymous variant.
Genome position (GRCh38, 1-based): chr19:1,440,172, G>A. VCF-style: chr19-1440172-G-A. GRCh37 (hg19) VCF-style: chr19-1440171-G-A.
Other names: c.264G>A, p.Arg88= (NM_001308226.2).
Identifiers: ClinVar variation 3038588 (VCV003038588.3), dbSNP rs367617949, ClinGen allele CA9044478.
Genomic context (GRCh38, chr19:1,440,172, plus strand): 5'-CAAGGCCAAGAAGGAGGCGCCGCCCATGGAGAAGCCGGAAGTGGTGAAGACGCACCTGCG[G>A]GACATGATCATCCTACCCGAGATGGTGGGCAGCATGGTGGGCGTCTACAACGGCAAGACC-3'
Protein context (NP_001009.1, residues 71-91): EKPEVVKTHL[Arg81=]DMIILPEMVG